The following is an entry in ClinVar:

NM_000443.4(ABCB4):c.1429C>A (p.Gln477Lys)

Gene: ABCB4 (ATP binding cassette subfamily B member 4; minus strand). Cytogenetic location: 7q21.12.
Variant type: single nucleotide variant.
Coding change: c.1429C>A on transcript NM_000443.4 (MANE Select); coding-DNA position 1429, C replaced by A.
Protein change: p.Gln477Lys; replaces glutamine 477 with lysine.
Molecular consequence: missense variant.
Genome position (GRCh38, 1-based): chr7:87,440,330, G>T on the plus strand (C>A on the coding strand, the complement: ABCB4 is on the minus strand). VCF-style: chr7-87440330-G-T. GRCh37 (hg19) VCF-style: chr7-87069646-G-T.
Other names: c.1429C>A, p.Gln477Lys (NM_018849.3, NM_018850.3); short protein forms Q477K.
Identifiers: ClinVar variation 4846586 (VCV004846586.1).

ClinVar aggregate classification (germline): Uncertain significance (1 of 4 stars; one submission).

Conditions:
Familial intrahepatic cholestasis. Identifiers: Orphanet 284385, MedGen CN296401, MONDO:0017290.

gnomAD v4.1: 1 of 1,614,064 alleles (0.000062%); highest among the groups gnomAD compares: Non-Finnish European, 0.000085%; no homozygotes.

Submission:

Genomenon, Inc
Classification: Uncertain significance for Familial intrahepatic cholestasis. Last evaluated: 2026-04-14. Review status: criteria provided, single submitter. Criteria: Genomenon Sequence Variant Interpretation Standards - Updated. Collection method: curation. Allele origin: germline. Affected: yes.
Comment: ABCB4 p.Gln477Lys (c.1429C>A) is a missense variant that changes the amino acid at residue 477 from Glutamine to Lysine. This variant has been observed in at least one proband with an ABCB4-related disorder (PMID:36330364). It has been observed in trans with a pathogenic or likely pathogenic variant (PMID:36330364). It is absent or not present at a significant frequency in gnomAD. In silico models predict that this variant is possibly or probably damaging. In conclusion, we classify ABCB4 p.Gln477Lys (c.1429C>A) as a variant of uncertain significance.

Literature cited by the submitters: PubMed 36330364.